The following is an entry in ClinVar:

ClinVar aggregate classification (germline): Benign. Review status: criteria provided, multiple submitters, no conflicts (2 of 4 stars). 2 submissions from 2 submitters: Benign (2). Last evaluated 2018-06-14.

Allele frequency attached by ClinVar (database versions not stated): TOPMed 0.14175; gnomAD 0.14265 and 0.14818; 1000 Genomes Project 30x 0.14834; 1000 Genomes Project 0.15256; ExAC 0.19351.
gnomAD v4.1: 286,601 of 1,612,692 alleles (18%); highest among the groups gnomAD compares: South Asian, 29%; 27,360 homozygotes.

Submissions (2):

GeneDx
Classification: Benign. Last evaluated: 2018-06-14. Review status: criteria provided, single submitter. Criteria: GeneDx Variant Classification (06012015). Collection method: clinical testing. Allele origin: germline. Affected: yes.
Comment: This variant is considered likely benign or benign based on one or more of the following criteria: it is a conservative change, it occurs at a poorly conserved position in the protein, it is predicted to be benign by multiple in silico algorithms, and/or has population frequency not consistent with disease.

Breakthrough Genomics
Classification: Benign. Review status: criteria provided, single submitter. Criteria: ACMG Guidelines, 2015. Collection method: not provided. Allele origin: germline. Inheritance: Autosomal recessive inheritance. Affected: yes.

NM_174889.5(NDUFAF2):c.127+59G>A

Gene: NDUFAF2 (NADH:ubiquinone oxidoreductase complex assembly factor 2; plus strand). Cytogenetic location: 5q12.1.
Variant type: single nucleotide variant.
Coding change: c.127+59G>A on transcript NM_174889.5 (MANE Select); 59 bases into the intron after coding-DNA position 127, G replaced by A.
Molecular consequence: intron variant.
Genome position (GRCh38, 1-based): chr5:60,945,441, G>A. VCF-style: chr5-60945441-G-A. GRCh37 (hg19) VCF-style: chr5-60241268-G-A.
Identifiers: ClinVar variation 674098 (VCV000674098.2), dbSNP rs158920, ClinGen allele CA3278095.